The following is an entry in ClinVar:

ClinVar aggregate classification (germline): Uncertain significance (1 of 4 stars; one submission).

Conditions:
Muscular dystrophy-dystroglycanopathy (congenital with brain and eye anomalies), type A13. Also called: WALKER-WARBURG SYNDROME OR MUSCLE-EYE-BRAIN DISEASE, B3GNT1-RELATED; Muscular dystrophy-dystroglycanopathy (congenital with brain and eye anomalies), type a, 13. Identifiers: Orphanet 899, MedGen C3809042, MONDO:0014120, OMIM 615287.

Allele frequency attached by ClinVar (database versions not stated): ExAC 0.00001; gnomAD exomes 0.00001 and 0.00002.

Submission:

Labcorp Genetics (formerly Invitae), Labcorp
Classification: Uncertain significance for Muscular dystrophy-dystroglycanopathy (congenital with brain and eye anomalies), type A13. Last evaluated: 2022-07-06. Review status: criteria provided, single submitter. Criteria: Invitae Variant Classification Sherloc (09022015). Collection method: clinical testing. Allele origin: germline.
Comment: In summary, the available evidence is currently insufficient to determine the role of this variant in disease. Therefore, it has been classified as a Variant of Uncertain Significance. Algorithms developed to predict the effect of missense changes on protein structure and function (SIFT, PolyPhen-2, Align-GVGD) all suggest that this variant is likely to be tolerated. ClinVar contains an entry for this variant (Variation ID: 1422241). This variant has not been reported in the literature in individuals affected with B4GAT1-related conditions. This variant is present in population databases (rs753511719, gnomAD 0.02%). This sequence change replaces alanine, which is neutral and non-polar, with threonine, which is neutral and polar, at codon 166 of the B4GAT1 protein (p.Ala166Thr).

NM_006876.3(B4GAT1):c.496G>A (p.Ala166Thr)

Gene: B4GAT1 (beta-1,4-glucuronyltransferase 1; minus strand). Cytogenetic location: 11q13.2.
Variant type: single nucleotide variant.
Coding change: c.496G>A on transcript NM_006876.3 (MANE Select); coding-DNA position 496, G replaced by A.
Protein change: p.Ala166Thr; replaces alanine 166 with threonine.
Molecular consequence: missense variant.
Genome position (GRCh38, 1-based): chr11:66,347,050, C>T on the plus strand (G>A on the coding strand, the complement: B4GAT1 is on the minus strand). VCF-style: chr11-66347050-C-T. GRCh37 (hg19) VCF-style: chr11-66114521-C-T.
Other names: short protein forms A166T.
Identifiers: ClinVar variation 1422241 (VCV001422241.6), dbSNP rs753511719, ClinGen allele CA6120552.
Genomic context (GRCh38, chr11:66,347,050, plus strand): 5'-AGACCTCCTGGCAGGACCGCAGCAGGGCAAACTCCCCCGGCTCCCGGGGGTCGGGCACGG[C>T]TGCCTCGTAACGCGAGGGGCACACGAGGTGCATGGCGACCCTGGCGCGCATGTCGGGGCA-3'
Protein context (NP_006867.1, residues 156-176): HLVCPSRYEA[Ala166Thr]VPDPREPGEF